The following is an entry in ClinVar:

ClinVar aggregate classification (germline): Uncertain significance. Review status: criteria provided, single submitter (1 of 4 stars). 2 submissions from 2 submitters: Uncertain significance (1). 1 of the submissions does not count toward it. Last evaluated 2023-08-04.

Conditions:
Infantile cerebral and cerebellar atrophy with postnatal progressive microcephaly (MSBA). Identifiers: Orphanet 402364, MedGen C3150921, MONDO:0013351, OMIM 613668.

Allele frequency attached by ClinVar (database versions not stated): gnomAD 0.00001.
gnomAD v4.1: 1 of 1,613,186 alleles (0.000062%); highest among the groups gnomAD compares: African/African-American, 0.0013%; no homozygotes.

Submissions (2):

Labcorp Genetics (formerly Invitae), Labcorp
Classification: Uncertain significance. Last evaluated: 2023-08-04. Review status: criteria provided, single submitter. Criteria: Invitae Variant Classification Sherloc (09022015). Collection method: clinical testing. Allele origin: germline.
Comment: In summary, the available evidence is currently insufficient to determine the role of this variant in disease. Therefore, it has been classified as a Variant of Uncertain Significance. Algorithms developed to predict the effect of sequence changes on RNA splicing suggest that this variant may create or strengthen a splice site. An algorithm developed to predict the effect of missense changes on protein structure and function (PolyPhen-2) suggests that this variant is likely to be tolerated. ClinVar contains an entry for this variant (Variation ID: 2080631). This variant has not been reported in the literature in individuals affected with MED17-related conditions. This variant is not present in population databases (gnomAD no frequency). This sequence change replaces glycine, which is neutral and non-polar, with glutamic acid, which is acidic and polar, at codon 84 of the MED17 protein (p.Gly84Glu).

Natera, Inc.
Classification: Uncertain significance for Postnatal progressive microcephaly with seizures and brain atrophy. Last evaluated: 2025-04-29. Review status: no assertion criteria provided. Collection method: clinical testing. Allele origin: germline. Not counted in ClinVar's aggregate classification.

NM_004268.5(MED17):c.251G>A (p.Gly84Glu)

Gene: MED17 (mediator complex subunit 17; plus strand). Cytogenetic location: 11q21.
Variant type: single nucleotide variant.
Coding change: c.251G>A on transcript NM_004268.5 (MANE Select); coding-DNA position 251, G replaced by A.
Protein change: p.Gly84Glu; replaces glycine 84 with glutamic acid.
Molecular consequence: missense variant.
Genome position (GRCh38, 1-based): chr11:93,788,001, G>A. VCF-style: chr11-93788001-G-A. GRCh37 (hg19) VCF-style: chr11-93521167-G-A.
Other names: c.251G>A (NM_004268.4); short protein forms G84E.
Identifiers: ClinVar variation 2080631 (VCV002080631.5), dbSNP rs1943787579, ClinGen allele CA382389983.
Genomic context (GRCh38, chr11:93,788,001, plus strand): 5'-GTCTGCCATTCAATGTAACGAATACTTCTGTATTTCTTTTTTTTCTCTCTCTCTTTTTAG[G>A]AGTGGTAAAATTTCAGCCTTCCCTTTGGCCTTGGGACTCAGTGAGGAACAATTTGAGAAG-3'
Protein context (NP_004259.3, residues 74-94): GSSADQDDEE[Gly84Glu]VVKFQPSLWP